The following is an entry in ClinVar:

NM_002473.6(MYH9):c.5049C>A (p.Ile1683=)

Gene: MYH9 (myosin heavy chain 9; minus strand). Cytogenetic location: 22q12.3.
Variant type: single nucleotide variant.
Coding change: c.5049C>A on transcript NM_002473.6 (MANE Select); coding-DNA position 5049, C replaced by A.
Protein change: p.Ile1683=; no amino-acid change (isoleucine 1683 retained).
Molecular consequence: synonymous variant.
Genome position (GRCh38, 1-based): chr22:36,286,730, G>T on the plus strand (C>A on the coding strand, the complement: MYH9 is on the minus strand). VCF-style: chr22-36286730-G-T. GRCh37 (hg19) VCF-style: chr22-36682776-G-T.
Identifiers: ClinVar variation 178427 (VCV000178427.17), dbSNP rs147419066, ClinGen allele CA182308.
Genomic context (GRCh38, chr22:36,286,730, plus strand): 5'-TGCTGGCCGCAGGGCAGCGGTGCCGCTCTCCATTGCAGCCCCACCCACCTCCTGCAACTG[G>T]ATCATCTCGGCCTCCATGCTCTTCAGCTTCTTCTCGTTCTCTTTGGCCTGGGCCAGGATC-3'
Protein context (NP_002464.1, residues 1673-1693): KKLKSMEAEM[Ile1683=]QLQEELAAAE

ClinVar aggregate classification (germline): Benign/Likely benign. Review status: criteria provided, multiple submitters, no conflicts (2 of 4 stars). 5 submissions from 5 submitters: Benign (1); Likely benign (4). Last evaluated 2026-01-16.

Conditions:
Autosomal dominant nonsyndromic hearing loss 17. Also called: Deafness, autosomal dominant 17; Autosomal dominant nonsyndromic deafness 17. Identifiers: Orphanet 90635, MedGen C1863659, MONDO:0011350, OMIM 603622.
Macrothrombocytopenia and granulocyte inclusions with or without nephritis or sensorineural hearing loss (MATINS). Also called: BLEEDING DISORDER, PLATELET-TYPE, 6; MAY-HEGGLIN ANOMALY; MYH9-Related Disease (MYH9-RD); DOHLE LEUKOCYTE INCLUSIONS WITH GIANT PLATELETS; SEBASTIAN PLATELET SYNDROME; MACROTHROMBOCYTOPENIA WITH DISPERSED LEUKOCYTIC INCLUSIONS. Identifiers: Orphanet 182050, MedGen C5200934, MONDO:0015912, OMIM 155100.

Allele frequency attached by ClinVar (database versions not stated): ExAC 0.00020; gnomAD 0.00076 and 0.00086; TOPMed 0.00076; gnomAD exomes 0.00006 and 0.00018; 1000 Genomes Project 30x 0.00016; 1000 Genomes Project 0.00020; ESP Exome Variant Server 0.00115.
gnomAD v4.1: 210 of 1,612,782 alleles (0.013%); highest among the groups gnomAD compares: African/African-American, 0.27%; no homozygotes.

Submissions (5):

Labcorp Genetics (formerly Invitae), Labcorp
Classification: Benign. Last evaluated: 2026-01-16. Review status: criteria provided, single submitter. Criteria: Invitae Variant Classification Sherloc (09022015). Collection method: clinical testing. Allele origin: germline.

Women's Health and Genetics/Laboratory Corporation of America, LabCorp
Classification: Likely benign. Last evaluated: 2025-04-23. Review status: criteria provided, single submitter. Criteria: LabCorp Variant Classification Summary - May 2015. Collection method: clinical testing. Allele origin: germline.

Fulgent Genetics
Classification: Likely benign for Macrothrombocytopenia and granulocyte inclusions with or without nephritis or sensorineural hearing loss; Autosomal dominant nonsyndromic hearing loss 17. Last evaluated: 2021-12-14. Review status: criteria provided, single submitter. Criteria: ACMG Guidelines, 2015. Collection method: clinical testing. Allele origin: unknown.

GeneDx
Classification: Likely benign. Last evaluated: 2019-11-27. Review status: criteria provided, single submitter. Criteria: GeneDx Variant Classification Process June 2021. Collection method: clinical testing. Allele origin: germline. Affected: yes.

Laboratory for Molecular Medicine, Mass General Brigham Personalized Medicine
Classification: Likely benign. Last evaluated: 2012-04-30. Review status: criteria provided, single submitter. Criteria: LMM Criteria. Collection method: clinical testing. Allele origin: germline. Observed: 1 variant allele.
Comment: Ile1683Ile in Exon 35 of MYH9: This variant is not expected to have clinical sig nificance because it does not alter an amino acid residue, is not located within the splice consensus sequence, and has been identified in 0.3% (13/3738) of Afr ican American chromosomes from a broad population by the NHLBI Exome Sequencing Project (dbSNP rs147419066).